The following is an entry in ClinVar:

NM_015192.4(PLCB1):c.2413+3A>C

Gene: PLCB1 (phospholipase C beta 1; plus strand). Cytogenetic location: 20p12.3.
Variant type: single nucleotide variant.
Coding change: c.2413+3A>C on transcript NM_015192.4 (MANE Select); 3 bases into the intron after coding-DNA position 2413, A replaced by C.
Molecular consequence: intron variant.
Genome position (GRCh38, 1-based): chr20:8,740,451, A>C. VCF-style: chr20-8740451-A-C. GRCh37 (hg19) VCF-style: chr20-8721098-A-C.
Other names: c.2413+3A>C (NM_182734.3).
Identifiers: ClinVar variation 1416788 (VCV001416788.6), dbSNP rs2123518817, ClinGen allele CA2573156983.

ClinVar aggregate classification (germline): Uncertain significance (1 of 4 stars; one submission).

Conditions:
Developmental and epileptic encephalopathy, 12 (DEE12). Identifiers: MedGen C3150988, MONDO:0013389, OMIM 613722.

Submission:

Labcorp Genetics (formerly Invitae), Labcorp
Classification: Uncertain significance for Developmental and epileptic encephalopathy, 12. Last evaluated: 2022-09-01. Review status: criteria provided, single submitter. Criteria: Invitae Variant Classification Sherloc (09022015). Collection method: clinical testing. Allele origin: germline.
Comment: In summary, the available evidence is currently insufficient to determine the role of this variant in disease. Therefore, it has been classified as a Variant of Uncertain Significance. This variant has not been reported in the literature in individuals affected with PLCB1-related conditions. ClinVar contains an entry for this variant (Variation ID: 1416788). Variants that disrupt the consensus splice site are a relatively common cause of aberrant splicing (PMID: 17576681, 9536098). Algorithms developed to predict the effect of sequence changes on RNA splicing suggest that this variant may disrupt the consensus splice site. This sequence change falls in intron 22 of the PLCB1 gene. It does not directly change the encoded amino acid sequence of the PLCB1 protein. It affects a nucleotide within the consensus splice site. This variant is not present in population databases (gnomAD no frequency).

Literature cited by the submitters: PubMed 17576681; PubMed 9536098.